The following is an entry in ClinVar:

NM_000439.5(PCSK1):c.921G>A (p.Ser307=)

Genes: CAST (calpastatin; plus strand), PCSK1 (proprotein convertase subtilisin/kexin type 1; minus strand), LOC101929710 (uncharacterized LOC101929710; plus strand). Cytogenetic location: 5q15.
Variant type: single nucleotide variant.
Coding change: c.921G>A on transcript NM_000439.5 (MANE Select); coding-DNA position 921, G replaced by A.
Protein change: p.Ser307=; no amino-acid change (serine 307 retained).
Molecular consequence: synonymous variant. On other transcripts: intron variant (11).
Genome position (GRCh38, 1-based): chr5:96,410,948, C>T on the plus strand (G>A on the coding strand, the complement: PCSK1 is on the minus strand). VCF-style: chr5-96410948-C-T. GRCh37 (hg19) VCF-style: chr5-95746652-C-T.
Other names: c.780G>A, p.Ser260= (NM_001177875.2); c.-175+31296C>T (NM_001423254.1, NM_001423259.1, NM_001423255.1 and 6 more transcripts); c.-103+31296C>T (NM_001423253.1); c.-40+31296C>T (NM_001423258.1).
Identifiers: ClinVar variation 3030316 (VCV003030316.4), dbSNP rs144822361, ClinGen allele CA3350342.

ClinVar aggregate classification (germline): Likely benign. Review status: criteria provided, single submitter (1 of 4 stars). 2 submissions from 2 submitters: Likely benign (1). 1 of the submissions does not count toward it. Last evaluated 2024-05-07.

Conditions:
PCSK1-related disorder. Also called: PCSK1-related condition.

Allele frequency attached by ClinVar (database versions not stated): TOPMed 0.00003; ESP Exome Variant Server 0.00008; ExAC 0.00002; gnomAD 0.00003.
gnomAD v4.1: 26 of 1,613,796 alleles (0.0016%); highest among the groups gnomAD compares: African/African-American, 0.008%; no homozygotes.

Submissions (2):

Labcorp Genetics (formerly Invitae), Labcorp
Classification: Likely benign. Last evaluated: 2024-05-07. Review status: criteria provided, single submitter. Criteria: Invitae Variant Classification Sherloc (09022015). Collection method: clinical testing. Allele origin: germline.

PreventionGenetics, part of Exact Sciences
Classification: Likely benign for PCSK1-related condition. Last evaluated: 2023-10-16. Review status: no assertion criteria provided. Collection method: clinical testing. Allele origin: germline. Not counted in ClinVar's aggregate classification.
Comment: This variant is classified as likely benign based on ACMG/AMP sequence variant interpretation guidelines (Richards et al. 2015 PMID: 25741868, with internal and published modifications).